The following is an entry in ClinVar:

NM_001886.3(CRYBA4):c.443+110C>T

Gene: CRYBA4 (crystallin beta A4; plus strand). Cytogenetic location: 22q12.1.
Variant type: single nucleotide variant.
Coding change: c.443+110C>T on transcript NM_001886.3 (MANE Select); 110 bases into the intron after coding-DNA position 443, C replaced by T.
Molecular consequence: intron variant.
Genome position (GRCh38, 1-based): chr22:26,628,540, C>T. VCF-style: chr22-26628540-C-T. GRCh37 (hg19) VCF-style: chr22-27024504-C-T.
Identifiers: ClinVar variation 674008 (VCV000674008.2), dbSNP rs6005099, ClinGen allele CA16003680.

ClinVar aggregate classification (germline): Benign. Review status: criteria provided, multiple submitters, no conflicts (2 of 4 stars). 2 submissions from 2 submitters: Benign (2). Last evaluated 2018-06-19.

Allele frequency attached by ClinVar (database versions not stated): gnomAD exomes 0.16065; gnomAD 0.21168 and 0.21283; TOPMed 0.22246; 1000 Genomes Project 0.27216; 1000 Genomes Project 30x 0.27233.
gnomAD v4.1: 216,282 of 1,293,322 alleles (17%); highest among the groups gnomAD compares: East Asian, 39%; 21,132 homozygotes.

Submissions (2):

GeneDx
Classification: Benign. Last evaluated: 2018-06-19. Review status: criteria provided, single submitter. Criteria: GeneDx Variant Classification (06012015). Collection method: clinical testing. Allele origin: germline. Affected: yes.
Comment: This variant is considered likely benign or benign based on one or more of the following criteria: it is a conservative change, it occurs at a poorly conserved position in the protein, it is predicted to be benign by multiple in silico algorithms, and/or has population frequency not consistent with disease.

Breakthrough Genomics
Classification: Benign. Review status: criteria provided, single submitter. Criteria: ACMG Guidelines, 2015. Collection method: not provided. Allele origin: germline. Inheritance: Unknown mechanism. Affected: yes.